The following is an entry in ClinVar:

NM_001042432.2(CLN3):c.824G>A (p.Trp275Ter)

Gene: CLN3 (CLN3 lysosomal/endosomal transmembrane protein, battenin; minus strand). Cytogenetic location: 16p12.1.
Variant type: single nucleotide variant.
Coding change: c.824G>A on transcript NM_001042432.2 (MANE Select); coding-DNA position 824, G replaced by A.
Protein change: p.Trp275Ter; replaces tryptophan 275 with a stop codon.
Molecular consequence: nonsense.
Genome position (GRCh38, 1-based): chr16:28,482,639, C>T on the plus strand (G>A on the coding strand, the complement: CLN3 is on the minus strand). VCF-style: chr16-28482639-C-T. GRCh37 (hg19) VCF-style: chr16-28493960-C-T.
Other names: c.824G>A, p.Trp275Ter (NM_000086.2); c.752G>A, p.Trp251Ter (NM_001286104.2); c.524G>A, p.Trp175Ter (NM_001286105.2); c.590G>A, p.Trp197Ter (NM_001286109.2); c.662G>A, p.Trp221Ter (NM_001286110.2); short protein forms W175*, W275*, W197*, W221*, W251*.
Identifiers: ClinVar variation 4771297 (VCV004771297.1).
Genomic context (GRCh38, chr16:28,482,639, plus strand): 5'-GGAGGTGAGCAAGCCCCACAGGGACATACCCCAGCCATCATCCGAACCTTGAACACTGTC[C>T]ACCTTTCCCGAAGGGAGAGGCTGGAGCTGGAGCCTGCAGGGGAACAGAGAGAGAAGGGCA-3'

ClinVar aggregate classification (germline): Pathogenic (1 of 4 stars; one submission).

Conditions:
Neuronal ceroid lipofuscinosis. Also called: Neuronal Ceroid Lipofuscinoses. Identifiers: Orphanet 216, Orphanet 79263, MedGen C0027877, MONDO:0016295. Disease mechanism: loss of function.

gnomAD v4.1: 1 of 1,614,188 alleles (0.000062%); highest among the groups gnomAD compares: South Asian, 0.0011%; no homozygotes.

Submission:

Labcorp Genetics (formerly Invitae), Labcorp
Classification: Pathogenic for Neuronal ceroid lipofuscinosis. Last evaluated: 2025-11-05. Review status: criteria provided, single submitter. Criteria: Invitae Variant Classification Sherloc (09022015). Collection method: clinical testing. Allele origin: germline.
Comment: This sequence change creates a premature translational stop signal (p.Trp275*) in the CLN3 gene. It is expected to result in an absent or disrupted protein product. Loss-of-function variants in CLN3 are known to be pathogenic (PMID: 9311735, 28542676). This variant is not present in population databases (gnomAD no frequency). This variant has not been reported in the literature in individuals affected with CLN3-related conditions. Algorithms developed to predict the effect of sequence changes on RNA splicing suggest that this variant may disrupt the consensus splice site. For these reasons, this variant has been classified as Pathogenic.

Literature cited by the submitters: PubMed 9311735; PubMed 28542676.